The following is an entry in ClinVar:

NM_003718.5(CDK13):c.2611A>G (p.Thr871Ala)

Gene: CDK13 (cyclin dependent kinase 13; plus strand). Cytogenetic location: 7p14.1.
Variant type: single nucleotide variant.
Coding change: c.2611A>G on transcript NM_003718.5 (MANE Select); coding-DNA position 2611, A replaced by G.
Protein change: p.Thr871Ala; replaces threonine 871 with alanine.
Molecular consequence: missense variant.
Genome position (GRCh38, 1-based): chr7:40,062,836, A>G. VCF-style: chr7-40062836-A-G. GRCh37 (hg19) VCF-style: chr7-40102435-A-G.
Other names: c.2611A>G, p.Thr871Ala (NM_031267.4); short protein forms T871A.
Identifiers: ClinVar variation 1335666 (VCV001335666.39), dbSNP rs2150526768, ClinGen allele CA367285309.

ClinVar aggregate classification (germline): Conflicting classifications of pathogenicity. Review status: criteria provided, conflicting classifications (1 of 4 stars). 3 submissions from 3 submitters: Pathogenic (1); Likely pathogenic (1); Uncertain significance (1). Last evaluated 2024-07-01.

Conditions:
Congenital heart defects, dysmorphic facial features, and intellectual developmental disorder (CHDFIDD). Identifiers: Orphanet 646278, MedGen C4479246, MONDO:0044302, OMIM 617360.

Submissions (3):

Labcorp Genetics (formerly Invitae), Labcorp
Classification: Uncertain significance. Last evaluated: 2024-07-01. Review status: criteria provided, single submitter. Criteria: Invitae Variant Classification Sherloc (09022015). Collection method: clinical testing. Allele origin: germline.
Comment: This sequence change replaces threonine, which is neutral and polar, with alanine, which is neutral and non-polar, at codon 871 of the CDK13 protein (p.Thr871Ala). This variant is not present in population databases (gnomAD no frequency). This variant has not been reported in the literature in individuals affected with CDK13-related conditions. ClinVar contains an entry for this variant (Variation ID: 1335666). Advanced modeling of protein sequence and biophysical properties (such as structural, functional, and spatial information, amino acid conservation, physicochemical variation, residue mobility, and thermodynamic stability) performed at Invitae indicates that this missense variant is expected to disrupt CDK13 protein function with a positive predictive value of 95%. In summary, the available evidence is currently insufficient to determine the role of this variant in disease. Therefore, it has been classified as a Variant of Uncertain Significance.

Mendelics
Classification: Pathogenic for Congenital heart defects, dysmorphic facial features, and intellectual developmental disorder. Last evaluated: 2022-05-04. Review status: criteria provided, single submitter. Criteria: Mendelics Assertion Criteria 2019. Collection method: clinical testing. Allele origin: germline.

CeGaT Center for Human Genetics Tuebingen
Classification: Likely pathogenic. Last evaluated: 2021-10-01. Review status: criteria provided, single submitter. Criteria: CeGaT Center For Human Genetics Tuebingen Variant Classification Criteria Version 2. Collection method: clinical testing. Allele origin: germline. Affected: yes. Observed: 1 variant allele.